The following is an entry in ClinVar:

ClinVar aggregate classification (germline): Uncertain significance (1 of 4 stars; one submission).

Submission:

GeneDx
Classification: Uncertain significance. Last evaluated: 2025-12-23. Review status: criteria provided, single submitter. Criteria: GeneDx Variant Classification Process June 2021. Collection method: clinical testing. Allele origin: germline.
Comment: Not observed at significant frequency in large population cohorts (gnomAD); In silico analysis suggests that this missense variant does not alter protein structure/function; Has not been previously published as pathogenic or benign to our knowledge

NM_001020658.2(PUM1):c.1886A>C (p.Gln629Pro)

Gene: PUM1 (pumilio RNA binding family member 1; minus strand). Cytogenetic location: 1p35.2.
Variant type: single nucleotide variant.
Coding change: c.1886A>C on transcript NM_001020658.2 (MANE Select); coding-DNA position 1886, A replaced by C.
Protein change: p.Gln629Pro; replaces glutamine 629 with proline.
Molecular consequence: missense variant.
Genome position (GRCh38, 1-based): chr1:30,966,182, T>G on the plus strand (A>C on the coding strand, the complement: PUM1 is on the minus strand). VCF-style: chr1-30966182-T-G. GRCh37 (hg19) VCF-style: chr1-31439029-T-G.
Other names: c.1886A>C, p.Gln629Pro (NM_014676.3); short protein forms Q629P.
Identifiers: ClinVar variation 3903133 (VCV003903133.2).